The following is an entry in ClinVar:

ClinVar aggregate classification (germline): Uncertain significance (1 of 4 stars; one submission).

Conditions:
Malignant hyperthermia, susceptibility to, 1 (MHS1). Also called: RYR1-Related Malignant Hyperthermia Susceptibility; Anesthesia related hyperthermia; Malignant hyperpyrexia; Fulminating hyperpyrexia; Pharmacogenic myopathy; Malignant hyperthermia suceptibility 1. Identifiers: Orphanet 423, MedGen C2930980, MONDO:0007783, OMIM 145600.

gnomAD v4.1: 1 of 1,614,120 alleles (0.000062%); highest among the groups gnomAD compares: African/African-American, 0.0013%; no homozygotes.

Submission:

All of Us Research Program, National Institutes of Health
Classification: Uncertain significance for Malignant hyperthermia, susceptibility to, 1. Last evaluated: 2023-03-07. Review status: criteria provided, single submitter. Criteria: ACMG Guidelines, 2015. Collection method: clinical testing. Allele origin: germline. Inheritance: Autosomal dominant inheritance. Observed: 1 variant allele, 1 heterozygote.
Comment: This study involves interpretation of variants in research participants for the purpose of population health screening. Participant phenotype was not available at the time of variant classification. Additional details can be found in publication PMID: 35346344, PMCID: PMC8962531

NM_000540.3(RYR1):c.10086C>G (p.Ile3362Met)

Gene: RYR1 (ryanodine receptor 1; plus strand). Cytogenetic location: 19q13.2.
Variant type: single nucleotide variant.
Coding change: c.10086C>G on transcript NM_000540.3 (MANE Select); coding-DNA position 10086, C replaced by G.
Protein change: p.Ile3362Met; replaces isoleucine 3362 with methionine.
Molecular consequence: missense variant.
Genome position (GRCh38, 1-based): chr19:38,519,281, C>G. VCF-style: chr19-38519281-C-G. GRCh37 (hg19) VCF-style: chr19-39009921-C-G.
Other names: c.10086C>G, p.Ile3362Met (NM_001042723.2); short protein forms I3362M.
Identifiers: ClinVar variation 3069257 (VCV003069257.1), dbSNP rs193922835, ClinGen allele CA308131158.